The following is an entry in ClinVar:

NM_006947.4(SRP72):c.1271G>A (p.Ser424Asn)

Gene: SRP72 (signal recognition particle 72; plus strand). Cytogenetic location: 4q12.
Variant type: single nucleotide variant.
Coding change: c.1271G>A on transcript NM_006947.4 (MANE Select); coding-DNA position 1271, G replaced by A.
Protein change: p.Ser424Asn; replaces serine 424 with asparagine.
Molecular consequence: missense variant. On other transcripts: non-coding transcript variant (1).
Genome position (GRCh38, 1-based): chr4:56,489,434, G>A. VCF-style: chr4-56489434-G-A. GRCh37 (hg19) VCF-style: chr4-57355600-G-A.
Other names: c.1088G>A, p.Ser363Asn (NM_001267722.2); short protein forms S363N, S424N.
Identifiers: ClinVar variation 3801443 (VCV003801443.1).
Genomic context (GRCh38, chr4:56,489,434, plus strand): 5'-CTTTGGCTGTGTAGGTATCTGCATTAGTTACCATGTATAGCCATGAAGAAGATATTGATA[G>A]TGCCATTGAGGTCTTCACACAAGCTATCCAGTGGTATCAAAACCATCAGGTAAATAAATG-3'
Protein context (NP_008878.3, residues 414-434): TMYSHEEDID[Ser424Asn]AIEVFTQAIQ

ClinVar aggregate classification (germline): Uncertain significance (1 of 4 stars; one submission).

gnomAD v4.1: 7 of 1,602,766 alleles (0.00044%); highest among the groups gnomAD compares: Non-Finnish European, 0.0006%; no homozygotes.

Submission:

Ambry Genetics
Classification: Uncertain significance. Last evaluated: 2025-01-14. Review status: criteria provided, single submitter. Criteria: Ambry Variant Classification Scheme 2023. Collection method: clinical testing. Allele origin: germline.
Comment: The p.S424N variant (also known as c.1271G>A), located in coding exon 13 of the SRP72 gene, results from a G to A substitution at nucleotide position 1271. The serine at codon 424 is replaced by asparagine, an amino acid with highly similar properties. This amino acid position is conserved. In addition, this alteration is predicted to be tolerated by in silico analysis. Based on the available evidence, the clinical significance of this variant remains unclear.